The following is an entry in ClinVar:

NM_000179.3(MSH6):c.3786G>A (p.Val1262=)

Gene: MSH6 (mutS homolog 6; plus strand). Cytogenetic location: 2p16.3.
Variant type: single nucleotide variant.
Coding change: c.3786G>A on transcript NM_000179.3 (MANE Select); coding-DNA position 3786, G replaced by A.
Protein change: p.Val1262=; no amino-acid change (valine 1262 retained).
Molecular consequence: synonymous variant.
Genome position (GRCh38, 1-based): chr2:47,806,343, G>A. VCF-style: chr2-47806343-G-A. GRCh37 (hg19) VCF-style: chr2-48033482-G-A.
Other names: c.3396G>A, p.Val1132= (NM_001281492.2); c.2880G>A, p.Val960= (NM_001281493.2, NM_001281494.2).
Identifiers: ClinVar variation 428367 (VCV000428367.24), dbSNP rs760771483, ClinGen allele CA072009.
Genomic context (GRCh38, chr2:47,806,343, plus strand): 5'-TACATTATTTTCAACTCACTACCATTCATTAGTAGAAGATTATTCTCAAAATGTTGCTGT[G>A]CGCCTAGGACATATGGTATGTGCAAATTGTTTTTTTCCACAAATTCGGTTTTTTGAGAGG-3'
Protein context (NP_000170.1, residues 1252-1272): LVEDYSQNVA[Val1262=]RLGHMACMVE

ClinVar aggregate classification (germline): Benign/Likely benign. Review status: criteria provided, multiple submitters, no conflicts (2 of 4 stars). 8 submissions from 8 submitters: Benign (2); Likely benign (6). Last evaluated 2025-10-13.

Conditions:
Hereditary cancer-predisposing syndrome. Also called: Hereditary Cancer Syndrome; Neoplastic Syndromes, Hereditary; Hereditary neoplastic syndrome; Tumor predisposition. Identifiers: Orphanet 140162, MedGen C0027672, MeSH D009386, MONDO:0015356.
Lynch syndrome. Identifiers: Orphanet 144, MedGen C4552100, MONDO:0005835. Disease mechanism: loss of function.
Hereditary nonpolyposis colorectal neoplasms. Identifiers: MedGen C0009405, MeSH D003123.
Lynch syndrome 5 (LYNCH5). Also called: Hereditary non-polyposis colorectal cancer, type 5; Colorectal cancer, hereditary nonpolyposis, type 5. Identifiers: Orphanet 144, MedGen C1833477, MONDO:0013710, OMIM 614350. Disease mechanism: loss of function.

Allele frequency attached by ClinVar (database versions not stated): ExAC 0.00001; gnomAD 0.00002; TOPMed 0.00002.

Submissions (8):

Labcorp Genetics (formerly Invitae), Labcorp
Classification: Likely benign for Hereditary nonpolyposis colorectal neoplasms. Last evaluated: 2025-10-13. Review status: criteria provided, single submitter. Criteria: Invitae Variant Classification Sherloc (09022015). Collection method: clinical testing. Allele origin: germline.

Myriad Genetics, Inc.
Classification: Benign for Lynch syndrome 5. Last evaluated: 2025-01-08. Review status: criteria provided, single submitter. Criteria: Myriad Autosomal Dominant, Autosomal Recessive and X-Linked Classification Criteria (2023). Collection method: clinical testing. Allele origin: unknown.
Comment: This variant is considered benign. This variant is a silent/synonymous amino acid change and it is not expected to impact splicing.

All of Us Research Program, National Institutes of Health
Classification: Likely benign for Lynch syndrome. Last evaluated: 2024-04-16. Review status: criteria provided, single submitter. Criteria: ACMG Guidelines, 2015. Collection method: clinical testing. Allele origin: germline. Inheritance: Autosomal dominant inheritance. Observed: 1 variant allele, 1 heterozygote.
Comment: This study involves interpretation of variants in research participants for the purpose of population health screening. Participant phenotype was not available at the time of variant classification. Additional details can be found in publication PMID: 35346344, PMCID: PMC8962531

Sema4
Classification: Likely benign for Hereditary cancer-predisposing syndrome. Last evaluated: 2021-11-01. Review status: criteria provided, single submitter. Criteria: Sema4 Curation Guidelines. Collection method: curation. Allele origin: germline.

Women's Health and Genetics/Laboratory Corporation of America, LabCorp
Classification: Likely benign. Last evaluated: 2019-08-29. Review status: criteria provided, single submitter. Criteria: LabCorp Variant Classification Summary - May 2015. Collection method: clinical testing. Allele origin: germline.

Ambry Genetics
Classification: Likely benign for Hereditary cancer-predisposing syndrome. Last evaluated: 2016-08-16. Review status: criteria provided, single submitter. Criteria: Ambry Variant Classification Scheme 2023. Collection method: clinical testing. Allele origin: germline.

Color Diagnostics, LLC DBA Color Health
Classification: Likely benign for Hereditary cancer-predisposing syndrome. Last evaluated: 2015-10-16. Review status: criteria provided, single submitter. Criteria: ACMG Guidelines, 2015. Collection method: clinical testing. Allele origin: germline.

GeneDx
Classification: Benign. Last evaluated: 2015-03-03. Review status: criteria provided, single submitter. Criteria: GeneDx Variant Classification Process June 2021. Collection method: clinical testing. Allele origin: germline. Affected: yes.